The following is an entry in ClinVar:

ClinVar aggregate classification (germline): Conflicting classifications of pathogenicity. Review status: criteria provided, conflicting classifications (1 of 4 stars). 2 submissions from 2 submitters: Pathogenic (1); Uncertain significance (1). Last evaluated 2024-08-27.

Conditions:
Cardiac arrhythmia. Also called: Cardiac rhythm disease; Arrhythmia. Identifiers: MedGen C0003811, MONDO:0007263, HP:0011675.
Long QT syndrome 1 (LQT1). Identifiers: Orphanet 101016, Orphanet 768, MedGen C4551647, MONDO:0100316, OMIM 192500, MONDO:0008646.

Allele frequency attached by ClinVar (database versions not stated): TOPMed 0.00001.

Submissions (2):

Color Diagnostics, LLC DBA Color Health
Classification: Uncertain significance for Cardiac arrhythmia. Last evaluated: 2024-08-27. Review status: criteria provided, single submitter. Criteria: ACMG Guidelines, 2015. Collection method: clinical testing. Allele origin: germline.
Comment: This missense variant replaces serine with cysteine at codon 253 of the KCNQ1 protein. Computational prediction suggests that this variant may have deleterious impact on protein structure and function. This variant is located within the highly conserved cytoplasmic linker region (a.a. 249-261) of the KCNQ1 protein. Rare non-truncating variants in this region have been shown to be significantly overrepresented in individuals with long QT syndrome (PMID: 32893267). To our knowledge, functional studies have not been reported for this variant. This variant has been reported in homozygosity in an individual affected with long QT syndrome (PMID: 27041150, 27485560). This variant has not been identified in the general population by the Genome Aggregation Database (gnomAD). The available evidence is insufficient to determine the role of this variant in disease conclusively. Therefore, this variant is classified as a Variant of Uncertain Significance.

Institute of Medical Genetics and Genomics, Sir Ganga Ram Hospital
Classification: Pathogenic for Long QT syndrome, LQT1 subtype. Last evaluated: 2014-01-01. Review status: criteria provided, single submitter. Criteria: Vyas et al. (Am J Med Genet A. 2016). Collection method: research. Allele origin: germline. Affected: yes. Observed: 1 variant allele. Study: Life Threatening Long QT Syndromes.

Literature cited by the submitters: PubMed 27041150 (cited by Color Diagnostics, LLC DBA Color Health); PubMed 27485560 (cited by Color Diagnostics, LLC DBA Color Health); PubMed 32893267 (cited by Color Diagnostics, LLC DBA Color Health).

NM_000218.3(KCNQ1):c.758C>G (p.Ser253Cys)

Gene: KCNQ1 (potassium voltage-gated channel subfamily Q member 1; plus strand). Cytogenetic location: 11p15.5.
Variant type: single nucleotide variant.
Coding change: c.758C>G on transcript NM_000218.3 (MANE Select); coding-DNA position 758, C replaced by G.
Protein change: p.Ser253Cys; replaces serine 253 with cysteine.
Molecular consequence: missense variant.
Genome position (GRCh38, 1-based): chr11:2,572,087, C>G. VCF-style: chr11-2572087-C-G. GRCh37 (hg19) VCF-style: chr11-2593317-C-G.
Other names: c.758C>G, p.Ser253Cys (NM_001406836.1); c.488C>G, p.Ser163Cys (NM_001406837.1); c.377C>G, p.Ser126Cys (NM_181798.2); short protein forms S126C, S253C, S163C.
Identifiers: ClinVar variation 207971 (VCV000207971.6), dbSNP rs794728513, ClinGen allele CA10575752.